The following is an entry in ClinVar:

ClinVar aggregate classification (germline): Benign (1 of 4 stars; one submission).

Allele frequency attached by ClinVar (database versions not stated): 1000 Genomes Project 0.00319; 1000 Genomes Project 30x 0.00375.

Submission:

CeGaT Center for Human Genetics Tuebingen
Classification: Benign. Last evaluated: 2023-01-01. Review status: criteria provided, single submitter. Criteria: CeGaT Center For Human Genetics Tuebingen Variant Classification Criteria Version 2. Collection method: clinical testing. Allele origin: germline. Affected: yes. Observed: 2 variant alleles.
Comment: LIMS2: BS1, BS2

NM_001161403.3(LIMS2):c.359+1227C>T

Gene: LIMS2 (LIM zinc finger domain containing 2; minus strand). Cytogenetic location: 2q14.3.
Variant type: single nucleotide variant.
Coding change: c.359+1227C>T on transcript NM_001161403.3 (MANE Select); 1227 bases into the intron after coding-DNA position 359, C replaced by T.
Molecular consequence: intron variant.
Genome position (GRCh38, 1-based): chr2:127,653,197, G>A on the plus strand (C>T on the coding strand, the complement: LIMS2 is on the minus strand). VCF-style: chr2-127653197-G-A. GRCh37 (hg19) VCF-style: chr2-128410771-G-A.
Other names: c.344+1227C>T (NM_001161404.2); c.425+1227C>T (NM_001136037.4); c.431+1227C>T (NM_017980.5).
Identifiers: ClinVar variation 2651342 (VCV002651342.24), dbSNP rs114666962, ClinGen allele CA55435022.